The following is an entry in ClinVar:

NM_000203.5(IDUA):c.1651-10C>T

Gene: IDUA (alpha-L-iduronidase; plus strand). Cytogenetic location: 4p16.3.
Variant type: single nucleotide variant.
Coding change: c.1651-10C>T on transcript NM_000203.5 (MANE Select); 10 bases into the intron before coding-DNA position 1651, C replaced by T.
Molecular consequence: intron variant.
Genome position (GRCh38, 1-based): chr4:1,003,539, C>T. VCF-style: chr4-1003539-C-T. GRCh37 (hg19) VCF-style: chr4-997327-C-T.
Other names: c.1255-10C>T (NM_001363576.1).
Identifiers: ClinVar variation 790828 (VCV000790828.20), dbSNP rs548878643, ClinGen allele CA2802338.

ClinVar aggregate classification (germline): Likely benign. Review status: reviewed by expert panel (3 of 4 stars). 4 submissions from 4 submitters: Likely benign (1). 3 of the submissions do not count toward it. Last evaluated 2024-12-06.

Conditions:
Mucopolysaccharidosis type 1. Also called: Mucopolysaccharidosis Type I; IDUA deficiency; MPS I. Identifiers: Orphanet 579, MedGen C0023786, MONDO:0001586.

Allele frequency attached by ClinVar (database versions not stated): gnomAD exomes 0.00018 and 0.00033; gnomAD 0.00007 and below 0.00001; ExAC 0.00036; TOPMed 0.00001; 1000 Genomes Project 30x 0.00031; 1000 Genomes Project 0.00040.
gnomAD v4.1: 272 of 1,611,068 alleles (0.017%); highest among the groups gnomAD compares: South Asian, 0.29%; 1 homozygote.

Submissions (4):

ClinGen Lysosomal Storage Disorder Variant Curation Expert Panel
Classification: Likely benign for Mucopolysaccharidosis type 1. Last evaluated: 2024-12-06. Review status: reviewed by expert panel. Criteria: ClinGen LSD ACMG Specifications IDUA V1.0.0. Collection method: curation. Allele origin: germline. Inheritance: Autosomal recessive inheritance.
Comment: The NM_000203.5:c.1651-10C>T variant is located close to the acceptor splice region of intron 11 of IDUA. The highest population minor allele frequency in gnomAD v4.1.0 is 0.002868 (261/91014 alleles, 1 homozygote; GrpMax Filtering Allele Frequency (95% confidence) = 0.002582) in the South Asian population, which is higher than the ClinGen Lysosomal Diseases VCEP’s threshold for BS1 (>0.0025), and therefore meets this criterion (BS1). The computational splicing predictor SpliceAI suggests that the variant has no impact on splicing (BP4). To our knowledge, this variant has not been reported in the literature. In summary, this variant meets the criteria to be classified as likely benign for mucopolysaccharidosis type 1. IDUA-specific ACMG/AMP criteria met, as specified by the ClinGen Lysosomal Diseases Variant Curation Expert Panel (Specifications Version 1.0.0): BS1, BP4. (Classification approved by the ClinGen Lysosomal Diseases Variant Curation Expert Panel on December 6, 2024)

Labcorp Genetics (formerly Invitae), Labcorp
Classification: Benign for Mucopolysaccharidosis type 1. Last evaluated: 2026-01-12. Review status: criteria provided, single submitter. Criteria: Invitae Variant Classification Sherloc (09022015). Collection method: clinical testing. Allele origin: germline. Not counted in ClinVar's aggregate classification.

Illumina Laboratory Services, Illumina
Classification: Uncertain significance for Mucopolysaccharidosis type 1. Last evaluated: 2018-01-13. Review status: criteria provided, single submitter. Criteria: ICSL Variant Classification Criteria 13 December 2019. Collection method: clinical testing. Allele origin: germline. Not counted in ClinVar's aggregate classification.

Natera, Inc.
Classification: Likely benign for Mucopolysaccharidosis type I. Last evaluated: 2018-06-18. Review status: no assertion criteria provided. Collection method: clinical testing. Allele origin: germline. Not counted in ClinVar's aggregate classification.